The following is an entry in ClinVar:

ClinVar aggregate classification (germline): Uncertain significance. Review status: criteria provided, multiple submitters, no conflicts (2 of 4 stars). 2 submissions from 2 submitters: Uncertain significance (2). Last evaluated 2025-08-28.

Conditions:
Inborn genetic diseases. Identifiers: MedGen C0950123, MeSH D030342.

Allele frequency attached by ClinVar (database versions not stated): ESP Exome Variant Server 0.00008; gnomAD 0.00019; 1000 Genomes Project 30x 0.00047; 1000 Genomes Project 0.00060.
gnomAD v4.1: 91 of 1,614,192 alleles (0.0056%); highest among the groups gnomAD compares: Admixed American, 0.047%; 1 homozygote.

Submissions (2):

Ambry Genetics
Classification: Uncertain significance for Inborn genetic diseases. Last evaluated: 2025-08-28. Review status: criteria provided, single submitter. Criteria: Ambry Variant Classification Scheme 2023. Collection method: clinical testing. Allele origin: germline.

Labcorp Genetics (formerly Invitae), Labcorp
Classification: Uncertain significance. Last evaluated: 2022-06-22. Review status: criteria provided, single submitter. Criteria: Invitae Variant Classification Sherloc (09022015). Collection method: clinical testing. Allele origin: germline.
Comment: This sequence change replaces threonine, which is neutral and polar, with methionine, which is neutral and non-polar, at codon 149 of the UNC45A protein (p.Thr149Met). This variant is present in population databases (rs142154255, gnomAD 0.009%). This variant has not been reported in the literature in individuals affected with UNC45A-related conditions. Algorithms developed to predict the effect of missense changes on protein structure and function are either unavailable or do not agree on the potential impact of this missense change (SIFT: "Not Available"; PolyPhen-2: "Probably Damaging"; Align-GVGD: "Not Available"). In summary, the available evidence is currently insufficient to determine the role of this variant in disease. Therefore, it has been classified as a Variant of Uncertain Significance.

NM_018671.5(UNC45A):c.446C>T (p.Thr149Met)

Gene: UNC45A (unc-45 myosin chaperone A; plus strand). Cytogenetic location: 15q26.1.
Variant type: single nucleotide variant.
Coding change: c.446C>T on transcript NM_018671.5 (MANE Select); coding-DNA position 446, C replaced by T.
Protein change: p.Thr149Met; replaces threonine 149 with methionine.
Molecular consequence: missense variant.
Genome position (GRCh38, 1-based): chr15:90,939,750, C>T. VCF-style: chr15-90939750-C-T. GRCh37 (hg19) VCF-style: chr15-91482980-C-T.
Other names: c.446C>T (NM_018671.3); c.401C>T, p.Thr134Met (NM_001039675.2, NM_001323621.2); c.446C>T, p.Thr149Met (NM_001323619.1); c.11C>T, p.Thr4Met (NM_001323620.2); short protein forms T134M, T149M, T4M.
Identifiers: ClinVar variation 2139152 (VCV002139152.2), dbSNP rs142154255, ClinGen allele CA7742546.